The following is an entry in ClinVar:

ClinVar aggregate classification (germline): Uncertain significance (1 of 4 stars; one submission).

Conditions:
Evans syndrome, immunodeficiency, and premature immunosenescence associated with tripeptidyl-peptidase II deficiency. Identifiers: MedGen CN231723. Disease mechanism: loss of function.

Allele frequency attached by ClinVar (database versions not stated): TOPMed 0.00003.
gnomAD v4.1: 35 of 1,603,508 alleles (0.0022%); highest among the groups gnomAD compares: Non-Finnish European, 0.003%; no homozygotes.

Submission:

Labcorp Genetics (formerly Invitae), Labcorp
Classification: Uncertain significance for Evans syndrome, immunodeficiency, and premature immunosenescence associated with tripeptidyl-peptidase II deficiency. Last evaluated: 2023-11-04. Review status: criteria provided, single submitter. Criteria: Invitae Variant Classification Sherloc (09022015). Collection method: clinical testing. Allele origin: germline.
Comment: This sequence change replaces asparagine, which is neutral and polar, with lysine, which is basic and polar, at codon 1043 of the TPP2 protein (p.Asn1043Lys). This variant is present in population databases (rs141975686, gnomAD 0.0009%). This variant has not been reported in the literature in individuals affected with TPP2-related conditions. ClinVar contains an entry for this variant (Variation ID: 544312). An algorithm developed to predict the effect of missense changes on protein structure and function (PolyPhen-2) suggests that this variant¬†is likely to be tolerated. In summary, the available evidence is currently insufficient to determine the role of this variant in disease. Therefore, it has been classified as a Variant of Uncertain Significance.

NM_001330588.2(TPP2):c.3168C>G (p.Asn1056Lys)

Gene: TPP2 (tripeptidyl peptidase 2; plus strand). Cytogenetic location: 13q33.1.
Variant type: single nucleotide variant.
Coding change: c.3168C>G on transcript NM_001330588.2 (MANE Select); coding-DNA position 3168, C replaced by G.
Protein change: p.Asn1056Lys; replaces asparagine 1056 with lysine.
Molecular consequence: missense variant. On other transcripts: non-coding transcript variant (1).
Genome position (GRCh38, 1-based): chr13:102,663,672, C>G. VCF-style: chr13-102663672-C-G. GRCh37 (hg19) VCF-style: chr13-103316022-C-G.
Other names: c.3168C>G, p.Asn1056Lys (LRG_1341t1); c.3129C>G, p.Asn1043Lys (NM_001367947.1, NM_003291.4); short protein forms N1043K, N1056K.
Identifiers: ClinVar variation 544312 (VCV000544312.9), dbSNP rs141975686, ClinGen allele CA7038211.